The following is an entry in ClinVar:

ClinVar aggregate classification (germline): Uncertain significance (1 of 4 stars; one submission).

Submission:

Ambry Genetics
Classification: Uncertain significance. Last evaluated: 2023-05-04. Review status: criteria provided, single submitter. Criteria: Ambry Variant Classification Scheme 2023. Collection method: clinical testing. Allele origin: germline.
Comment: The p.T908A variant (also known as c.2722A>G), located in coding exon 13 of the NPAT gene, results from an A to G substitution at nucleotide position 2722. The threonine at codon 908 is replaced by alanine, an amino acid with similar properties. This amino acid position is conserved. In addition, the in silico prediction for this alteration is inconclusive. Since supporting evidence is limited at this time, the clinical significance of this alteration remains unclear.

NM_002519.3(NPAT):c.2722A>G (p.Thr908Ala)

Gene: NPAT (nuclear protein, coactivator of histone transcription; minus strand). Cytogenetic location: 11q22.3.
Variant type: single nucleotide variant.
Coding change: c.2722A>G on transcript NM_002519.3 (MANE Select); coding-DNA position 2722, A replaced by G.
Protein change: p.Thr908Ala; replaces threonine 908 with alanine.
Molecular consequence: missense variant.
Genome position (GRCh38, 1-based): chr11:108,172,262, T>C on the plus strand (A>G on the coding strand, the complement: NPAT is on the minus strand). VCF-style: chr11-108172262-T-C. GRCh37 (hg19) VCF-style: chr11-108042989-T-C.
Other names: c.2722A>G, p.Thr908Ala (NM_001321307.1); short protein forms T908A.
Identifiers: ClinVar variation 2562549 (VCV002562549.2), dbSNP rs2496716224, ClinGen allele CA382512375.
Genomic context (GRCh38, chr11:108,172,262, plus strand): 5'-GTGAAAAGTTTGGTGACACAGCTTGGTTGACAGCAAATACACTGTTTGACCTTGGTGGTG[T>C]CTGTAACTGAGGTGGTAGAGGTTGAGCAGTCATAGGTGCAGAATTTCCAGGCAACACCAC-3'
Protein context (NP_002510.2, residues 898-918): TAQPLPPQLQ[Thr908Ala]PPRSNSVFAV